The following is an entry in ClinVar:

ClinVar aggregate classification (germline): Benign/Likely benign. Review status: criteria provided, multiple submitters, no conflicts (2 of 4 stars). 3 submissions from 3 submitters: Benign (1); Likely benign (1). 1 of the submissions does not count toward it. Last evaluated 2026-09-01.

Conditions:
Kabuki syndrome. Also called: NIIKAWA-KUROKI SYNDROME; Kabuki make-up syndrome. Identifiers: Orphanet 2322, MedGen C0796004, MONDO:0016512.
KMT2D-related disorder. Also called: KMT2D-Related Disorders.

Allele frequency attached by ClinVar (database versions not stated): gnomAD exomes 0.00002; ExAC 0.00003; gnomAD 0.00003; TOPMed 0.00005; 1000 Genomes Project 30x 0.00016; 1000 Genomes Project 0.00020.
gnomAD v4.1: 17 of 1,613,694 alleles (0.0011%); highest among the groups gnomAD compares: Admixed American, 0.013%; no homozygotes.

Submissions (3):

CeGaT Center for Human Genetics Tuebingen
Classification: Likely benign. Last evaluated: 2026-09-01. Review status: criteria provided, single submitter. Criteria: CeGaT Center For Human Genetics Tuebingen Variant Classification Criteria Version 2. Collection method: clinical testing. Allele origin: germline. Affected: yes. Observed: 1 variant allele.
Comment: KMT2D: BP4, BP7

Labcorp Genetics (formerly Invitae), Labcorp
Classification: Benign for Kabuki syndrome. Last evaluated: 2025-03-16. Review status: criteria provided, single submitter. Criteria: Invitae Variant Classification Sherloc (09022015). Collection method: clinical testing. Allele origin: germline.

PreventionGenetics, part of Exact Sciences
Classification: Likely benign for KMT2D-related condition. Last evaluated: 2021-11-19. Review status: no assertion criteria provided. Collection method: clinical testing. Allele origin: germline. Not counted in ClinVar's aggregate classification.
Comment: This variant is classified as likely benign based on ACMG/AMP sequence variant interpretation guidelines (Richards et al. 2015 PMID: 25741868, with internal and published modifications).

NM_003482.4(KMT2D):c.10551C>T (p.Thr3517=)

Gene: KMT2D (lysine methyltransferase 2D; minus strand). Cytogenetic location: 12q13.12.
Variant type: single nucleotide variant.
Coding change: c.10551C>T on transcript NM_003482.4 (MANE Select); coding-DNA position 10551, C replaced by T.
Protein change: p.Thr3517=; no amino-acid change (threonine 3517 retained).
Molecular consequence: synonymous variant.
Genome position (GRCh38, 1-based): chr12:49,034,256, G>A on the plus strand (C>T on the coding strand, the complement: KMT2D is on the minus strand). VCF-style: chr12-49034256-G-A. GRCh37 (hg19) VCF-style: chr12-49428039-G-A.
Identifiers: ClinVar variation 2195556 (VCV002195556.7), dbSNP rs571562720, ClinGen allele CA6546464.